The following is an entry in ClinVar:

ClinVar aggregate classification (germline): Uncertain significance (1 of 4 stars; one submission).

Allele frequency attached by ClinVar (database versions not stated): gnomAD exomes below 0.00001.
gnomAD v4.1: 1 of 1,613,822 alleles (0.000062%); highest among the groups gnomAD compares: Non-Finnish European, 0.000085%; no homozygotes.

Submission:

GeneDx
Classification: Uncertain significance. Last evaluated: 2022-01-21. Review status: criteria provided, single submitter. Criteria: GeneDx Variant Classification Process June 2021. Collection method: clinical testing. Allele origin: germline. Affected: yes.
Comment: Not observed at significant frequency in large population cohorts (gnomAD); In silico analysis supports that this missense variant does not alter protein structure/function; Has not been previously published as pathogenic or benign to our knowledge

NM_003482.4(KMT2D):c.7111C>A (p.Pro2371Thr)

Gene: KMT2D (lysine methyltransferase 2D; minus strand). Cytogenetic location: 12q13.12.
Variant type: single nucleotide variant.
Coding change: c.7111C>A on transcript NM_003482.4 (MANE Select); coding-DNA position 7111, C replaced by A.
Protein change: p.Pro2371Thr; replaces proline 2371 with threonine.
Molecular consequence: missense variant.
Genome position (GRCh38, 1-based): chr12:49,040,659, G>T on the plus strand (C>A on the coding strand, the complement: KMT2D is on the minus strand). VCF-style: chr12-49040659-G-T. GRCh37 (hg19) VCF-style: chr12-49434442-G-T.
Other names: short protein forms P2371T.
Identifiers: ClinVar variation 1698086 (VCV001698086.2), dbSNP rs2120532240, ClinGen allele CA384748805.